The following is an entry in ClinVar:

ClinVar aggregate classification (germline): Benign. Review status: criteria provided, multiple submitters, no conflicts (2 of 4 stars). 2 submissions from 2 submitters: Benign (2). Last evaluated 2018-01-13.

Conditions:
Hypercalcemia, infantile, 1 (HCINF1). Identifiers: Orphanet 300547, MedGen CN031131, MONDO:0020739, OMIM 143880.

Allele frequency attached by ClinVar (database versions not stated): TOPMed 0.01996; 1000 Genomes Project 0.02097; 1000 Genomes Project 30x 0.02139.
gnomAD v4.1: 3,635 of 620,526 alleles (0.59%); highest among the groups gnomAD compares: African/African-American, 6%; 122 homozygotes.

Submissions (2):

Illumina Laboratory Services, Illumina
Classification: Benign for Hypercalcemia, infantile, 1. Last evaluated: 2018-01-13. Review status: criteria provided, single submitter. Criteria: ICSL Variant Classification Criteria 13 December 2019. Collection method: clinical testing. Allele origin: germline.
Comment: This variant was observed in the ICSL laboratory as part of a predisposition screen in an ostensibly healthy population. It had not been previously curated by ICSL or reported in the Human Gene Mutation Database (HGMD: prior to June 1st, 2018), and was therefore a candidate for classification through an automated scoring system. Utilizing variant allele frequency, disease prevalence and penetrance estimates, and inheritance mode, an automated score was calculated to assess if this variant is too frequent to cause the disease. Based on the score and internal cut-off values, a variant classified as benign is not then subjected to further curation. The score for this variant resulted in a classification of benign for this disease.

Breakthrough Genomics
Classification: Benign. Review status: criteria provided, single submitter. Criteria: ACMG Guidelines, 2015. Collection method: not provided. Allele origin: germline. Inheritance: Autosomal recessive inheritance. Affected: yes.

NM_000782.5(CYP24A1):c.-154T>G

Gene: CYP24A1 (cytochrome P450 family 24 subfamily A member 1; minus strand). Cytogenetic location: 20q13.2.
Variant type: single nucleotide variant.
Coding change: c.-154T>G on transcript NM_000782.5 (MANE Select); 154 bases upstream of the start codon, T replaced by G.
Molecular consequence: 5 prime UTR variant.
Genome position (GRCh38, 1-based): chr20:54,173,733, A>C on the plus strand (T>G on the coding strand, the complement: CYP24A1 is on the minus strand). VCF-style: chr20-54173733-A-C. GRCh37 (hg19) VCF-style: chr20-52790272-A-C.
Other names: c.-154T>G (NM_001128915.2).
Identifiers: ClinVar variation 338848 (VCV000338848.7), dbSNP rs75209626, ClinGen allele CA10649921.
Genomic context (GRCh38, chr20:54,173,733, plus strand): 5'-TGGGAAAAGGAAGCAAAGAGGGCCAGCTGGTGTGATGGAGCGGGGTGAGGCGGGACAGGC[A>C]GCAGAAAGGACCTCGGCGAGGATGCTCGACGCTGCACCACGCGACAGCCTCAGAGCATTG-3'